The following is an entry in ClinVar:

NM_145290.4(ADGRA3):c.1877T>C (p.Leu626Pro)

Gene: ADGRA3 (adhesion G protein-coupled receptor A3; minus strand). Cytogenetic location: 4p15.2.
Variant type: single nucleotide variant.
Coding change: c.1877T>C on transcript NM_145290.4 (MANE Select); coding-DNA position 1877, T replaced by C.
Protein change: p.Leu626Pro; replaces leucine 626 with proline.
Molecular consequence: missense variant.
Genome position (GRCh38, 1-based): chr4:22,413,747, A>G on the plus strand (T>C on the coding strand, the complement: ADGRA3 is on the minus strand). VCF-style: chr4-22413747-A-G. GRCh37 (hg19) VCF-style: chr4-22415370-A-G.
Other names: short protein forms L626P.
Identifiers: ClinVar variation 4735506 (VCV004735506.1).
Genomic context (GRCh38, chr4:22,413,747, plus strand): 5'-AGCTTTCCATTGCGGAATGCAATGAGTTGAAGCTTGTAAAGAGAGTCATCAGTTGGTCTG[A>G]GTTCTCTTTTTTGCTTTGGTGAGAAAAGGGAAGGAGGAAGCTGAATAGAAGCCTCCACAA-3'
Protein context (NP_660333.2, residues 616-636): SLFSPKQKRE[Leu626Pro]RPTDDSLYKL

ClinVar aggregate classification (germline): Uncertain significance (1 of 4 stars; one submission).

Submission:

Labcorp Genetics (formerly Invitae), Labcorp
Classification: Uncertain significance. Last evaluated: 2026-01-17. Review status: criteria provided, single submitter. Criteria: Invitae Variant Classification Sherloc (09022015). Collection method: clinical testing. Allele origin: germline.
Comment: This sequence change replaces leucine, which is neutral and non-polar, with proline, which is neutral and non-polar, at codon 626 of the ADGRA3 protein (p.Leu626Pro). This variant is not present in population databases (gnomAD no frequency). This variant has not been reported in the literature in individuals affected with ADGRA3-related conditions. An algorithm developed to predict the effect of missense changes on protein structure and function (PolyPhen-2) suggests that this variant is likely to be tolerated. In summary, the available evidence is currently insufficient to determine the role of this variant in disease. Therefore, it has been classified as a Variant of Uncertain Significance.